The following is an entry in ClinVar:

NM_004100.5(EYA4):c.858A>G (p.Ser286=)

Gene: EYA4 (EYA transcriptional coactivator and phosphatase 4; plus strand). Cytogenetic location: 6q23.2.
Variant type: single nucleotide variant.
Coding change: c.858A>G on transcript NM_004100.5 (MANE Select); coding-DNA position 858, A replaced by G.
Protein change: p.Ser286=; no amino-acid change (serine 286 retained).
Molecular consequence: synonymous variant.
Genome position (GRCh38, 1-based): chr6:133,468,619, A>G. VCF-style: chr6-133468619-A-G. GRCh37 (hg19) VCF-style: chr6-133789757-A-G.
Other names: c.696A>G, p.Ser232= (NM_001301012.2, NM_001370459.1); c.858A>G, p.Ser286= (NM_001301013.2, NM_172105.4); c.789A>G, p.Ser263= (NM_001370458.1, NM_172103.4).
Identifiers: ClinVar variation 3053111 (VCV003053111.2), dbSNP rs2534668399, ClinGen allele CA452189505.

ClinVar aggregate classification (germline): Likely benign (0 of 4 stars; one submission).

Conditions:
EYA4-related disorder. Also called: EYA4-related disorders; EYA4-related condition. Identifiers: MedGen CN239388.

Submission:

PreventionGenetics, part of Exact Sciences
Classification: Likely benign for EYA4-related condition. Last evaluated: 2022-03-02. Review status: no assertion criteria provided. Collection method: clinical testing. Allele origin: germline.
Comment: This variant is classified as likely benign based on ACMG/AMP sequence variant interpretation guidelines (Richards et al. 2015 PMID: 25741868, with internal and published modifications).